The following is an entry in ClinVar:

ClinVar aggregate classification (germline): Benign/Likely benign. Review status: criteria provided, multiple submitters, no conflicts (2 of 4 stars). 2 submissions from 2 submitters: Benign (1); Likely benign (1). Last evaluated 2025-08-12.

Conditions:
Melanoma-pancreatic cancer syndrome. Identifiers: Orphanet 404560, MedGen C1838547, MONDO:0011713, OMIM 606719. Disease mechanism: loss of function.
Hereditary cancer-predisposing syndrome. Also called: Neoplastic Syndromes, Hereditary; Tumor predisposition; Hereditary Cancer Syndrome; Hereditary neoplastic syndrome. Identifiers: Orphanet 140162, MedGen C0027672, MeSH D009386, MONDO:0015356.

gnomAD v4.1: 1 of 1,605,680 alleles (0.000062%); highest among the groups gnomAD compares: Non-Finnish European, 0.000085%; no homozygotes.

Submissions (2):

Myriad Genetics, Inc.
Classification: Benign for Melanoma-pancreatic cancer syndrome. Last evaluated: 2025-08-12. Review status: criteria provided, single submitter. Criteria: Myriad Autosomal Dominant, Autosomal Recessive and X-Linked Classification Criteria (2023). Collection method: clinical testing. Allele origin: unknown.
Comment: This variant is considered benign. This variant is a silent/synonymous amino acid change and it is not expected to impact splicing.

Ambry Genetics
Classification: Likely benign for Hereditary cancer-predisposing syndrome. Last evaluated: 2025-01-10. Review status: criteria provided, single submitter. Criteria: Ambry Variant Classification Scheme 2023. Collection method: clinical testing. Allele origin: germline.

NM_058195.4(CDKN2A):c.72G>T (p.Val24=)

Gene: CDKN2A (cyclin dependent kinase inhibitor 2A; minus strand). Cytogenetic location: 9p21.3.
Variant type: single nucleotide variant.
Coding change: c.72G>T on transcript NM_058195.4 (MANE Plus Clinical); coding-DNA position 72, G replaced by T.
Protein change: p.Val24=; no amino-acid change (valine 24 retained).
Molecular consequence: synonymous variant. On other transcripts: intron variant (1).
Genome position (GRCh38, 1-based): chr9:21,994,260, C>A on the plus strand (G>T on the coding strand, the complement: CDKN2A is on the minus strand). VCF-style: chr9-21994260-C-A. GRCh37 (hg19) VCF-style: chr9-21994259-C-A.
Other names: c.-4+561G>T (NM_001363763.2).
Identifiers: ClinVar variation 3830981 (VCV003830981.2).